The following is an entry in ClinVar:

ClinVar aggregate classification (germline): Uncertain significance (1 of 4 stars; one submission).

Conditions:
Dilated cardiomyopathy 1D. Identifiers: Orphanet 154, Orphanet 54260, MedGen C1832243, MONDO:0011095, OMIM 601494.

Allele frequency attached by ClinVar (database versions not stated): ExAC 0.00001; gnomAD 0.00001; 1000 Genomes Project 30x 0.00016; 1000 Genomes Project 0.00020.

Submission:

Victorian Clinical Genetics Services, Murdoch Childrens Research Institute
Classification: Uncertain significance for Dilated cardiomyopathy 1D. Last evaluated: 2023-07-17. Review status: criteria provided, single submitter. Criteria: ACMG Guidelines, 2015. Collection method: clinical testing. Allele origin: germline. Inheritance: Autosomal dominant inheritance. Affected: yes.
Comment: Based on the classification scheme VCGS_Germline_v1.3.4, this variant is classified as VUS-3C. Following criteria are met: 0105 - The mechanism of disease for this gene is not clearly established. Functional studies have suggested loss-of-function, gain-of-function and dominant-negative mechanisms based on calcium sensitivity, contractibility and mouse models (PMID: 18612386, 32098556, 33025817). (I) 0107 - This gene is associated with autosomal dominant disease. (I) 0115 - Variants in this gene are known to have variable expressivity, e.g., the variant, p.(Arg92Gln), has been reported to cause both DCM and HCM, even within the same family (PMID: 26507537). (I) 0200 - Variant is predicted to result in a missense amino acid change from glutamic acid to glutamine. (I) 0251 - This variant is heterozygous. (I) 0302 - Variant is present in gnomAD (v2, v3) <0.001 for a dominant condition (1 heterozygote, 0 homozygotes). (SP) 0503 - Missense variant consistently predicted to be tolerated by multiple in silico tools or not conserved in placental mammals with a minor amino acid change. (SB) 0604 - Variant is not located in an established domain, motif, hotspot or informative constraint region. (I) 0710 - Other missense variants comparable to the one identified in this case have inconclusive previous evidence for pathogenicity. These alternative changes (p.(Glu59Lys), p.(Glu59Asp)) have been reported as a VUS, or observed in an individual with dilated cardiomyopathy who had an additional missense variant (ClinVar, PMID: 23610579). (I) 0809 - Previous evidence of pathogenicity for this variant is inconclusive. This variant has been observed in an individual with hypertrophic cardiomyopathy, and called a VUS (LOVD). (I) 0905 - No published segregation evidence has been identified for this variant. (I) 1007 - No published functional evidence has been identified for this variant. (I) 1208 - Inheritance information for this variant is not currently available in this individual. (I) Legend: (SP) - Supporting pathogenic, (I) - Information, (SB) - Supporting benign

Literature cited by the submitters: PubMed 18612386; PubMed 23610579; PubMed 26507537; PubMed 32098556; PubMed 33025817.

NM_001276345.2(TNNT2):c.175G>C (p.Glu59Gln)

Gene: TNNT2 (troponin T2, cardiac type; minus strand). Cytogenetic location: 1q32.1.
Variant type: single nucleotide variant.
Coding change: c.175G>C on transcript NM_001276345.2 (MANE Select); coding-DNA position 175, G replaced by C.
Protein change: p.Glu59Gln; replaces glutamic acid 59 with glutamine.
Molecular consequence: missense variant.
Genome position (GRCh38, 1-based): chr1:201,367,795, C>G on the plus strand (G>C on the coding strand, the complement: TNNT2 is on the minus strand). VCF-style: chr1-201367795-C-G. GRCh37 (hg19) VCF-style: chr1-201336923-C-G.
Other names: c.175G>C, p.Glu59Gln (NM_000364.4, NM_001406723.1); c.145G>C, p.Glu49Gln (NM_001001430.3, NM_001001431.3, NM_001276347.2 and 3 more transcripts); c.130G>C, p.Glu44Gln (NM_001001432.3, NM_001406728.1); c.172G>C, p.Glu58Gln (NM_001276346.2); c.142G>C, p.Glu48Gln (NM_001406725.1); short protein forms E44Q, E48Q, E49Q, E58Q, E59Q.
Identifiers: ClinVar variation 3255093 (VCV003255093.1), dbSNP rs568628521.
Genomic context (GRCh38, chr1:201,367,795, plus strand): 5'-TTTGCCTCCCTTGTACCTCTCTCCTGATATCCTTACCTTCAGCCTCCTTTGCTTCCTCTT[C>G]TTCTTCATCTTCTAAATGAAACACGAGAAATCAATCAAGGTCCTTGTTCTGAGCTCAAGT-3'
Protein context (NP_001263274.1, residues 49-69): EETRAEEDEE[Glu59Gln]EEAKEAEDGP